The following is an entry in ClinVar:

ClinVar aggregate classification (germline): Uncertain significance (1 of 4 stars; one submission).

Conditions:
Joubert syndrome 22 (JBTS22). Identifiers: Orphanet 2754, MedGen C3810278, MONDO:0014297, OMIM 615665.

Allele frequency attached by ClinVar (database versions not stated): gnomAD exomes below 0.00001.
gnomAD v4.1: 1 of 1,561,864 alleles (0.000064%); highest among the groups gnomAD compares: Non-Finnish European, 0.000088%; no homozygotes.

Submission:

Labcorp Genetics (formerly Invitae), Labcorp
Classification: Uncertain significance for Joubert syndrome 22. Last evaluated: 2022-07-26. Review status: criteria provided, single submitter. Criteria: Invitae Variant Classification Sherloc (09022015). Collection method: clinical testing. Allele origin: germline.
Comment: In summary, the available evidence is currently insufficient to determine the role of this variant in disease. Therefore, it has been classified as a Variant of Uncertain Significance. This variant is not present in population databases (gnomAD no frequency). Variants that disrupt the consensus splice site are a relatively common cause of aberrant splicing (PMID: 17576681, 9536098). Algorithms developed to predict the effect of sequence changes on RNA splicing suggest that this variant is not likely to affect RNA splicing. ClinVar contains an entry for this variant (Variation ID: 1354430). This variant has not been reported in the literature in individuals affected with PDE6D-related conditions. This sequence change falls in intron 3 of the PDE6D gene. It does not directly change the encoded amino acid sequence of the PDE6D protein. It affects a nucleotide within the consensus splice site.

Literature cited by the submitters: PubMed 17576681; PubMed 9536098.

NM_002601.4(PDE6D):c.266-3C>T

Gene: PDE6D (phosphodiesterase 6D; minus strand). Cytogenetic location: 2q37.1.
Variant type: single nucleotide variant.
Coding change: c.266-3C>T on transcript NM_002601.4 (MANE Select); 3 bases into the intron before coding-DNA position 266, C replaced by T.
Molecular consequence: intron variant.
Genome position (GRCh38, 1-based): chr2:231,737,295, G>A on the plus strand (C>T on the coding strand, the complement: PDE6D is on the minus strand). VCF-style: chr2-231737295-G-A. GRCh37 (hg19) VCF-style: chr2-232602005-G-A.
Other names: c.265+718C>T (NM_001291018.2).
Identifiers: ClinVar variation 1354430 (VCV001354430.6), dbSNP rs2106260539, ClinGen allele CA2573135523.